The following is an entry in ClinVar:

NC_012920.1(MT-CYB):m.15122A>G

Gene: MT-CYB (mitochondrially encoded cytochrome b; plus strand).
Variant type: single nucleotide variant.
Genome position: chrM-15122-A-G.
Identifiers: ClinVar variation 693830 (VCV000693830.1), dbSNP rs1556424535, ClinGen allele CA913173002.

ClinVar aggregate classification (germline): Likely benign (1 of 4 stars; one submission).

Conditions:
Leigh syndrome (NULS). Also called: Leigh's necrotizing encephalopathy; Leigh's disease; Leigh's syndrome; LEIGH SYNDROME, NUCLEAR; Leigh Syndrome (mtDNA deletion); Leigh Disease. Identifiers: Orphanet 506, MedGen C2931891, MONDO:0009723, OMIM 256000.

Submission:

Wong Mito Lab, Molecular and Human Genetics, Baylor College of Medicine
Classification: Likely benign for Leigh syndrome. Last evaluated: 2019-10-17. Review status: criteria provided, single submitter. Criteria: Modified ACMG Guidelines (Unpublished). Collection method: clinical testing. Allele origin: germline.
Comment: The NC_012920.1:m.15122A>G (YP_003024038.1:p.Thr126Ala) variant in MTCYB gene is interpretated to be a Likely Benign variant based on the modified ACMG guidelines (unpublished). This variant meets the following evidence codes: BS4, BP6